The following is an entry in ClinVar:

ClinVar aggregate classification (germline): Likely benign (1 of 4 stars; one submission).

Allele frequency attached by ClinVar (database versions not stated): 1000 Genomes Project 30x 0.00047; 1000 Genomes Project 0.00060; TOPMed 0.00074; gnomAD exomes 0.00104.
gnomAD v4.1: 1,079 of 1,097,380 alleles (0.098%); highest among the groups gnomAD compares: Middle Eastern, 0.28%; no homozygotes.

Submission:

CeGaT Center for Human Genetics Tuebingen
Classification: Likely benign. Last evaluated: 2022-03-01. Review status: criteria provided, single submitter. Criteria: CeGaT Center For Human Genetics Tuebingen Variant Classification Criteria Version 2. Collection method: clinical testing. Allele origin: germline. Affected: yes. Observed: 1 variant allele.
Comment: ZNF316: BP4, BP7

NM_001278559.2(ZNF316):c.2115G>A (p.Ala705=)

Gene: ZNF316 (zinc finger protein 316; plus strand). Cytogenetic location: 7p22.1.
Variant type: single nucleotide variant.
Coding change: c.2115G>A on transcript NM_001278559.2 (MANE Select); coding-DNA position 2115, G replaced by A.
Protein change: p.Ala705=; no amino-acid change (alanine 705 retained).
Molecular consequence: synonymous variant.
Genome position (GRCh38, 1-based): chr7:6,653,711, G>A. VCF-style: chr7-6653711-G-A. GRCh37 (hg19) VCF-style: chr7-6693342-G-A.
Identifiers: ClinVar variation 2657310 (VCV002657310.24), dbSNP rs527903972, ClinGen allele CA153410801.